The following is an entry in ClinVar:

ClinVar aggregate classification (germline): Likely benign. Review status: criteria provided, multiple submitters, no conflicts (2 of 4 stars). 3 submissions from 3 submitters: Likely benign (2). 1 of the submissions does not count toward it. Last evaluated 2025-12-02.

Conditions:
CLPX-related disorder. Also called: CLPX-related condition.

Allele frequency attached by ClinVar (database versions not stated): gnomAD exomes 0.00028; ExAC 0.00031; ESP Exome Variant Server 0.00100; gnomAD 0.00107 and 0.00110; TOPMed 0.00108; 1000 Genomes Project 30x 0.00141; 1000 Genomes Project 0.00160.
gnomAD v4.1: 292 of 1,612,484 alleles (0.018%); highest among the groups gnomAD compares: African/African-American, 0.34%; 2 homozygotes.

Submissions (3):

Labcorp Genetics (formerly Invitae), Labcorp
Classification: Likely benign. Last evaluated: 2025-12-02. Review status: criteria provided, single submitter. Criteria: Invitae Variant Classification Sherloc (09022015). Collection method: clinical testing. Allele origin: germline.

Blueprint Genetics
Classification: Likely benign. Last evaluated: 2024-08-09. Review status: criteria provided, single submitter. Criteria: ACMG Guidelines, 2015. Collection method: clinical testing. Allele origin: germline.

PreventionGenetics, part of Exact Sciences
Classification: Likely benign for CLPX-related condition. Last evaluated: 2019-10-28. Review status: no assertion criteria provided. Collection method: clinical testing. Allele origin: germline. Not counted in ClinVar's aggregate classification.
Comment: This variant is classified as likely benign based on ACMG/AMP sequence variant interpretation guidelines (Richards et al. 2015 PMID: 25741868, with internal and published modifications).

NM_006660.5(CLPX):c.137C>T (p.Thr46Ile)

Gene: CLPX (caseinolytic mitochondrial matrix peptidase chaperone subunit X; minus strand). Cytogenetic location: 15q22.31.
Variant type: single nucleotide variant.
Coding change: c.137C>T on transcript NM_006660.5 (MANE Select); coding-DNA position 137, C replaced by T.
Protein change: p.Thr46Ile; replaces threonine 46 with isoleucine.
Molecular consequence: missense variant. On other transcripts: non-coding transcript variant (1).
Genome position (GRCh38, 1-based): chr15:65,180,147, G>A on the plus strand (C>T on the coding strand, the complement: CLPX is on the minus strand). VCF-style: chr15-65180147-G-A. GRCh37 (hg19) VCF-style: chr15-65472485-G-A.
Other names: c.137C>T (NM_006660.4); short protein forms T46I.
Identifiers: ClinVar variation 1645480 (VCV001645480.11), dbSNP rs146367761, ClinGen allele CA7614967.